The following is an entry in ClinVar:

NM_000092.5(COL4A4):c.3011C>T (p.Pro1004Leu)

Gene: COL4A4 (collagen type IV alpha 4 chain; minus strand). Cytogenetic location: 2q36.3.
Variant type: single nucleotide variant.
Coding change: c.3011C>T on transcript NM_000092.5 (MANE Select); coding-DNA position 3011, C replaced by T.
Protein change: p.Pro1004Leu; replaces proline 1004 with leucine.
Molecular consequence: missense variant.
Genome position (GRCh38, 1-based): chr2:227,051,116, G>A on the plus strand (C>T on the coding strand, the complement: COL4A4 is on the minus strand). VCF-style: chr2-227051116-G-A. GRCh37 (hg19) VCF-style: chr2-227915832-G-A.
Other names: short protein forms P1004L.
Identifiers: ClinVar variation 255028 (VCV000255028.32), dbSNP rs1800517, ClinGen allele CA2144652.

ClinVar aggregate classification (germline): Benign. Review status: criteria provided, multiple submitters, no conflicts (2 of 4 stars). 15 submissions from 15 submitters: Benign (12). 3 of the submissions do not count toward it. Last evaluated 2026-02-04.

Conditions:
Alport syndrome. Also called: Hemorrhagic familial nephritis; Hemorrhagic hereditary nephritis; Congenital hereditary hematuria. Identifiers: Orphanet 63, MedGen C1567741, MONDO:0018965.
Autosomal recessive Alport syndrome (ATS2). Also called: ALPORT SYNDROME 2, AUTOSOMAL RECESSIVE; Alport syndrome type 2; COL4A4 Alport Syndrome and Thin Basement Membrane Nephropathy; COL4A3-Related Nephropathy. Identifiers: Orphanet 63, Orphanet 88919, MedGen C4746745, MONDO:0008762, OMIM 203780.

Allele frequency attached by ClinVar (database versions not stated): gnomAD exomes 0.49491 and 0.52018; gnomAD 0.51043 and 0.51412; TOPMed 0.51515; ESP Exome Variant Server 0.51859; ExAC 0.52046; 1000 Genomes Project 0.54732; 1000 Genomes Project 30x 0.54825.
gnomAD v4.1: 801,610 of 1,613,426 alleles (50%); highest among the groups gnomAD compares: South Asian, 64%; 201,002 homozygotes.

Submissions (15):

Labcorp Genetics (formerly Invitae), Labcorp
Classification: Benign. Last evaluated: 2026-02-04. Review status: criteria provided, single submitter. Criteria: Invitae Variant Classification Sherloc (09022015). Collection method: clinical testing. Allele origin: germline.

Women's Health and Genetics/Laboratory Corporation of America, LabCorp
Classification: Benign. Last evaluated: 2024-11-29. Review status: criteria provided, single submitter. Criteria: LabCorp Variant Classification Summary - May 2015. Collection method: clinical testing. Allele origin: germline.

Blueprint Genetics
Classification: Benign. Last evaluated: 2024-11-26. Review status: criteria provided, single submitter. Criteria: ACMG Guidelines, 2015. Collection method: clinical testing. Allele origin: germline.

Unidad de Genómica Garrahan, Hospital de Pediatría Garrahan
Classification: Benign. Last evaluated: 2024-07-15. Review status: criteria provided, single submitter. Criteria: ACMG Guidelines, 2015. Collection method: clinical testing. Allele origin: germline. Affected: no. Observed: 67 variant alleles.
Comment: This variant is classified as Benign based on local population frequency. This variant was detected in 72% of patients studied in a panel designed for Epileptic and Developmental Encephalopathy and Progressive Myoclonus Epilepsy. Number of patients: 67. Only high quality variants are reported.

Mayo Clinic Laboratories, Mayo Clinic
Classification: Benign. Last evaluated: 2022-03-09. Review status: criteria provided, single submitter. Criteria: ACMG Guidelines, 2015. Collection method: clinical testing. Allele origin: germline. Observed: 273 variant alleles.

Genome-Nilou Lab
Classification: Benign for Autosomal recessive Alport syndrome. Last evaluated: 2021-07-10. Review status: criteria provided, single submitter. Criteria: ACMG Guidelines, 2015. Collection method: clinical testing. Allele origin: germline. Affected: no.

Illumina Laboratory Services, Illumina
Classification: Benign for Alport syndrome. Last evaluated: 2018-01-13. Review status: criteria provided, single submitter. Criteria: ICSL Variant Classification Criteria 13 December 2019. Collection method: clinical testing. Allele origin: germline.
Comment: This variant was observed in the ICSL laboratory as part of a predisposition screen in an ostensibly healthy population. It had not been previously curated by ICSL or reported in the Human Gene Mutation Database (HGMD: prior to June 1st, 2018), and was therefore a candidate for classification through an automated scoring system. Utilizing variant allele frequency, disease prevalence and penetrance estimates, and inheritance mode, an automated score was calculated to assess if this variant is too frequent to cause the disease. Based on the score and internal cut-off values, a variant classified as benign is not then subjected to further curation. The score for this variant resulted in a classification of benign for this disease.

GeneDx
Classification: Benign. Last evaluated: 2017-05-09. Review status: criteria provided, single submitter. Criteria: GeneDx Variant Classification (06012015). Collection method: clinical testing. Allele origin: germline. Affected: yes.
Comment: This variant is considered likely benign or benign based on one or more of the following criteria: it is a conservative change, it occurs at a poorly conserved position in the protein, it is predicted to be benign by multiple in silico algorithms, and/or has population frequency not consistent with disease.

Athena Diagnostics
Classification: Benign. Last evaluated: 2017-04-28. Review status: criteria provided, single submitter. Criteria: Athena Diagnostics Criteria. Collection method: clinical testing. Allele origin: germline.

Laboratory for Molecular Medicine, Mass General Brigham Personalized Medicine
Classification: Benign. Last evaluated: 2016-03-21. Review status: criteria provided, single submitter. Criteria: LMM Criteria. Collection method: clinical testing. Allele origin: germline. Observed: 209 variant alleles.
Comment: p.Pro1004Leu in exon 33 of COL4A4: This variant is not expected to have clinical significance because it has been identified in 64.34% (10624/16512) of South As ian chromosomes by the Exome Aggregation Consortium (ExAC; dbSNP rs1800517).

Breakthrough Genomics
Classification: Benign. Review status: criteria provided, single submitter. Criteria: ACMG Guidelines, 2015. Collection method: not provided. Allele origin: germline. Inheritance: Autosomal recessive inheritance. Affected: yes.

PreventionGenetics, part of Exact Sciences
Classification: Benign. Review status: criteria provided, single submitter. Criteria: ACMG Guidelines, 2015. Collection method: clinical testing. Allele origin: germline.

Natera, Inc.
Classification: Benign for Alport syndrome. Last evaluated: 2020-09-16. Review status: no assertion criteria provided. Collection method: clinical testing. Allele origin: germline. Not counted in ClinVar's aggregate classification.

Diagnostic Laboratory, Department of Genetics, University Medical Center Groningen
Classification: Benign. Review status: no assertion criteria provided. Collection method: clinical testing. Allele origin: germline. Affected: yes. Study: VKGL Data-share Consensus. Not counted in ClinVar's aggregate classification.

Joint Genome Diagnostic Labs from Nijmegen and Maastricht, Radboudumc and MUMC+
Classification: Benign. Review status: no assertion criteria provided. Collection method: clinical testing. Allele origin: germline. Affected: yes. Study: VKGL Data-share Consensus. Not counted in ClinVar's aggregate classification.